The following is an entry in ClinVar:

NM_001364905.1(LRBA):c.8077_8078delinsAT (p.Ala2693Met)

Gene: LRBA (LPS responsive beige-like anchor protein; minus strand). Cytogenetic location: 4q31.3.
Variant type: Indel.
Coding change: c.8077_8078delinsAT on transcript NM_001364905.1 (MANE Select); coding-DNA positions 8077 to 8078, GC replaced by AT.
Protein change: p.Ala2693Met; replaces alanine 2693 with methionine.
Molecular consequence: missense variant.
Genome position (GRCh38, 1-based): chr4:150,285,974-150,285,975, GC replaced by AT on the plus strand (GC replaced by AT on the coding strand, the reverse complement: LRBA is on the minus strand). VCF-style: chr4-150285974-GC-AT. GRCh37 (hg19) VCF-style: chr4-151207126-GC-AT.
Other names: c.8074_8075delGCinsAT, p.Ala2692Met (NM_001199282.3); c.8092_8093delinsAT, p.Ala2698Met (NM_001367550.1); c.8110_8111delGCinsAT, p.Ala2704Met (NM_006726.5); short protein forms A2704M, A2693M, A2698M, A2692M.
Identifiers: ClinVar variation 1438095 (VCV001438095.5), dbSNP rs2126779868, ClinGen allele CA2573138112.

ClinVar aggregate classification (germline): Uncertain significance (1 of 4 stars; one submission).

Conditions:
Combined immunodeficiency due to LRBA deficiency. Also called: Common variable immunodeficiency 8, with autoimmunity. Identifiers: Orphanet 445018, MedGen C3553512, MONDO:0013863, OMIM 614700.

Submission:

Labcorp Genetics (formerly Invitae), Labcorp
Classification: Uncertain significance for Combined immunodeficiency due to LRBA deficiency. Last evaluated: 2021-10-27. Review status: criteria provided, single submitter. Criteria: Invitae Variant Classification Sherloc (09022015). Collection method: clinical testing. Allele origin: germline.
Comment: In summary, the available evidence is currently insufficient to determine the role of this variant in disease. Therefore, it has been classified as a Variant of Uncertain Significance. Algorithms developed to predict the effect of missense changes on protein structure and function are either unavailable or do not agree on the potential impact of this missense change (SIFT: "Not Available"; PolyPhen-2: "Possibly Damaging"; Align-GVGD: "Not Available"). This variant has not been reported in the literature in individuals affected with LRBA-related conditions. Information on the frequency of this variant in the gnomAD database is not available, as this variant may be reported differently in the database. This sequence change replaces alanine, which is neutral and non-polar, with methionine, which is neutral and non-polar, at codon 2704 of the LRBA protein (p.Ala2704Met).